The following is an entry in ClinVar:

ClinVar aggregate classification (germline): Pathogenic (1 of 4 stars; one submission).

Submission:

Labcorp Genetics (formerly Invitae), Labcorp
Classification: Pathogenic. Last evaluated: 2023-09-21. Review status: criteria provided, single submitter. Criteria: Invitae Variant Classification Sherloc (09022015). Collection method: clinical testing. Allele origin: germline.
Comment: This variant is a gross deletion of the genomic region encompassing exon(s) 3 of the CREB3L3 gene. This deletion is out-of-frame, and is expected to create a premature termination codon and result in an absent or disrupted protein product. Loss-of-function variants in CREB3L3 are known to be pathogenic (PMID: 21666694, 26427795). This variant has not been reported in the literature in individuals affected with CREB3L3-related conditions. For these reasons, this variant has been classified as Pathogenic.

Literature cited by the submitters: PubMed 21666694; PubMed 26427795.

NC_000019.9:g.(?_4156972)_(4157312_?)del

Gene: CREB3L3 (cAMP responsive element binding protein 3 like 3; plus strand). Cytogenetic location: 19p13.3.
Variant type: Deletion.
Identifiers: ClinVar variation 2427047 (VCV002427047.4).